The following is an entry in ClinVar:

NM_001365792.1(DAB1):c.1272G>A (p.Pro424=)

Gene: DAB1 (DAB adaptor protein 1; minus strand). Cytogenetic location: 1p32.2.
Variant type: single nucleotide variant.
Coding change: c.1272G>A on transcript NM_001365792.1 (MANE Select); coding-DNA position 1272, G replaced by A.
Protein change: p.Pro424=; no amino-acid change (proline 424 retained).
Molecular consequence: synonymous variant.
Genome position (GRCh38, 1-based): chr1:57,015,055, C>T on the plus strand (G>A on the coding strand, the complement: DAB1 is on the minus strand). VCF-style: chr1-57015055-C-T. GRCh37 (hg19) VCF-style: chr1-57480728-C-T.
Other names: c.1272G>A, p.Pro424= (NM_001353983.2, NM_001353985.2, NM_001365793.1 and 3 more transcripts); c.1266G>A, p.Pro422= (NM_001353986.2, NM_001379461.1).
Identifiers: ClinVar variation 3058113 (VCV003058113.2), dbSNP rs144727413, ClinGen allele CA876268.

ClinVar aggregate classification (germline): Likely benign (0 of 4 stars; one submission).

Conditions:
DAB1-related disorder. Also called: DAB1-related condition.

Allele frequency attached by ClinVar (database versions not stated): 1000 Genomes Project 30x 0.00016; 1000 Genomes Project 0.00020; ExAC 0.00023; ESP Exome Variant Server 0.00023.
gnomAD v4.1: 165 of 1,614,082 alleles (0.01%); highest among the groups gnomAD compares: African/African-American, 0.069%; no homozygotes.

Submission:

PreventionGenetics, part of Exact Sciences
Classification: Likely benign for DAB1-related condition. Last evaluated: 2024-08-20. Review status: no assertion criteria provided. Collection method: clinical testing. Allele origin: germline.
Comment: This variant is classified as likely benign based on ACMG/AMP sequence variant interpretation guidelines (Richards et al. 2015 PMID: 25741868, with internal and published modifications).